The following is an entry in ClinVar:

NM_020070.4(IGLL1):c.553C>T (p.Gln185Ter)

Gene: IGLL1 (immunoglobulin lambda like polypeptide 1; minus strand). Cytogenetic location: 22q11.23.
Variant type: single nucleotide variant.
Coding change: c.553C>T on transcript NM_020070.4 (MANE Select); coding-DNA position 553, C replaced by T.
Protein change: p.Gln185Ter; replaces glutamine 185 with a stop codon.
Molecular consequence: nonsense. On other transcripts: 3 prime UTR variant (1).
Genome position (GRCh38, 1-based): chr22:23,573,355, G>A on the plus strand (C>T on the coding strand, the complement: IGLL1 is on the minus strand). VCF-style: chr22-23573355-G-A. GRCh37 (hg19) VCF-style: chr22-23915542-G-A.
Other names: c.556C>T, p.Gln186Ter (NM_001369906.1); c.*182C>T (NM_152855.3); short protein forms Q185*, Q186*.
Identifiers: ClinVar variation 580757 (VCV000580757.6), dbSNP rs1569069105, ClinGen allele CA410898511.

ClinVar aggregate classification (germline): Uncertain significance (1 of 4 stars; one submission).

Conditions:
Agammaglobulinemia 2, autosomal recessive (AGM2). Also called: AGAMMAGLOBULINEMIA, AUTOSOMAL RECESSIVE, DUE TO IGLL1 DEFECT. Identifiers: MedGen C3150750, MONDO:0013287, OMIM 613500.

gnomAD v4.1: 1 of 1,614,098 alleles (0.000062%); no homozygotes.

Submission:

Labcorp Genetics (formerly Invitae), Labcorp
Classification: Uncertain significance for Agammaglobulinemia 2, autosomal recessive. Last evaluated: 2024-02-17. Review status: criteria provided, single submitter. Criteria: Invitae Variant Classification Sherloc (09022015). Collection method: clinical testing. Allele origin: germline.
Comment: This sequence change creates a premature translational stop signal (p.Gln185*) in the IGLL1 gene. While this is not anticipated to result in nonsense mediated decay, it is expected to disrupt the last 29 amino acid(s) of the IGLL1 protein. This variant is not present in population databases (gnomAD no frequency). This variant has not been reported in the literature in individuals affected with IGLL1-related conditions. ClinVar contains an entry for this variant (Variation ID: 580757). In summary, the available evidence is currently insufficient to determine the role of this variant in disease. Therefore, it has been classified as a Variant of Uncertain Significance.